The following is an entry in ClinVar:

ClinVar aggregate classification (germline): Pathogenic (1 of 4 stars; one submission).

Submission:

CeGaT Center for Human Genetics Tuebingen
Classification: Pathogenic. Last evaluated: 2026-03-01. Review status: criteria provided, single submitter. Criteria: CeGaT Center For Human Genetics Tuebingen Variant Classification Criteria Version 2. Collection method: clinical testing. Allele origin: germline. Affected: yes. Observed: 1 variant allele.
Comment: COL5A1: PVS1, PM2

NM_000093.5(COL5A1):c.507dup (p.Leu170fs)

Gene: COL5A1 (collagen type V alpha 1 chain; plus strand). Cytogenetic location: 9q34.3.
Variant type: Duplication.
Coding change: c.507dup on transcript NM_000093.5 (MANE Select); coding-DNA position 507, one base duplicated (T; older notation c.507dupT).
Protein change: p.Leu170fs; shifts the reading frame from leucine 170.
Molecular consequence: frameshift variant.
Genome position (GRCh38, 1-based): chr9:134,701,186, T duplicated. VCF-style (leftmost placement, unchanged base first): chr9-134701185-C-CT. GRCh37 (hg19) VCF-style: chr9-137593031-C-CT.
Other names: c.507dup, p.Leu170fs (NM_001278074.1); short protein forms L170fs.
Identifiers: ClinVar variation 4823644 (VCV004823644.4).